The following is an entry in ClinVar:

NM_000188.3(HK1):c.1339A>T (p.Ser447Cys)

Gene: HK1 (hexokinase 1; plus strand). Cytogenetic location: 10q22.1.
Variant type: single nucleotide variant.
Coding change: c.1339A>T on transcript NM_000188.3 (MANE Select); coding-DNA position 1339, A replaced by T.
Protein change: p.Ser447Cys; replaces serine 447 with cysteine.
Molecular consequence: missense variant.
Genome position (GRCh38, 1-based): chr10:69,382,560, A>T. VCF-style: chr10-69382560-A-T. GRCh37 (hg19) VCF-style: chr10-71142316-A-T.
Other names: c.1351A>T, p.Ser451Cys (NM_001322364.2, NM_001358263.1, NM_033497.3 and 1 more transcripts); c.1444A>T, p.Ser482Cys (NM_001322365.2); c.1255A>T, p.Ser419Cys (NM_001322366.1); c.1243A>T, p.Ser415Cys (NM_001322367.1); c.1336A>T, p.Ser446Cys (NM_033496.3); c.1303A>T, p.Ser435Cys (NM_033500.2); short protein forms S415C, S419C, S435C, S446C, S447C, S451C, S482C.
Identifiers: ClinVar variation 3365088 (VCV003365088.1).

ClinVar aggregate classification (germline): Uncertain significance (1 of 4 stars; one submission).

Submission:

GeneDx
Classification: Uncertain significance. Last evaluated: 2023-11-30. Review status: criteria provided, single submitter. Criteria: GeneDx Variant Classification Process June 2021. Collection method: clinical testing. Allele origin: germline. Affected: yes.
Comment: Not observed at significant frequency in large population cohorts (gnomAD); In silico analysis supports that this missense variant has a deleterious effect on protein structure/function; Has not been previously published as pathogenic or benign to our knowledge